The following is an entry in ClinVar:

ClinVar aggregate classification (germline): Uncertain significance. Review status: criteria provided, multiple submitters, no conflicts (2 of 4 stars). 2 submissions from 2 submitters: Uncertain significance (2). Last evaluated 2024-10-27.

Conditions:
Charcot-Marie-Tooth disease type 2. Also called: Charcot-Marie-Tooth type 2. Identifiers: Orphanet 64746, MedGen C0270914, MONDO:0018993.

Allele frequency attached by ClinVar (database versions not stated): gnomAD exomes below 0.00001.
gnomAD v4.1: 2 of 1,614,210 alleles (0.00012%); highest among the groups gnomAD compares: Non-Finnish European, 0.00017%; no homozygotes.

Submissions (2):

Labcorp Genetics (formerly Invitae), Labcorp
Classification: Uncertain significance for Charcot-Marie-Tooth disease type 2. Last evaluated: 2024-10-27. Review status: criteria provided, single submitter. Criteria: Invitae Variant Classification Sherloc (09022015). Collection method: clinical testing. Allele origin: germline.
Comment: This sequence change replaces alanine, which is neutral and non-polar, with serine, which is neutral and polar, at codon 536 of the AARS protein (p.Ala536Ser). This variant is present in population databases (no rsID available, gnomAD 0.0009%). This variant has not been reported in the literature in individuals affected with AARS-related conditions. ClinVar contains an entry for this variant (Variation ID: 1006799). Invitae Evidence Modeling of protein sequence and biophysical properties (such as structural, functional, and spatial information, amino acid conservation, physicochemical variation, residue mobility, and thermodynamic stability) indicates that this missense variant is not expected to disrupt AARS protein function with a negative predictive value of 95%. In summary, the available evidence is currently insufficient to determine the role of this variant in disease. Therefore, it has been classified as a Variant of Uncertain Significance.

GeneDx
Classification: Uncertain significance. Last evaluated: 2024-02-05. Review status: criteria provided, single submitter. Criteria: GeneDx Variant Classification Process June 2021. Collection method: clinical testing. Allele origin: germline. Affected: yes.
Comment: Not observed at significant frequency in large population cohorts (gnomAD); In silico analysis supports that this missense variant has a deleterious effect on protein structure/function; Has not been previously published as pathogenic or benign to our knowledge

NM_001605.3(AARS1):c.1606G>T (p.Ala536Ser)

Gene: AARS1 (alanyl-tRNA synthetase 1; minus strand). Cytogenetic location: 16q22.1.
Variant type: single nucleotide variant.
Coding change: c.1606G>T on transcript NM_001605.3 (MANE Select); coding-DNA position 1606, G replaced by T.
Protein change: p.Ala536Ser; replaces alanine 536 with serine.
Molecular consequence: missense variant.
Genome position (GRCh38, 1-based): chr16:70,262,411, C>A on the plus strand (G>T on the coding strand, the complement: AARS1 is on the minus strand). VCF-style: chr16-70262411-C-A. GRCh37 (hg19) VCF-style: chr16-70296314-C-A.
Other names: c.1606G>T (NM_001605.2); short protein forms A536S.
Identifiers: ClinVar variation 1006799 (VCV001006799.9), dbSNP rs1179099210, ClinGen allele CA396560021.